The following is an entry in ClinVar:

NM_003280.3(TNNC1):c.475G>A (p.Gly159Ser)

Gene: TNNC1 (troponin C1, slow skeletal and cardiac type; minus strand). Cytogenetic location: 3p21.1.
Variant type: single nucleotide variant.
Coding change: c.475G>A on transcript NM_003280.3 (MANE Select); coding-DNA position 475, G replaced by A.
Protein change: p.Gly159Ser; replaces glycine 159 with serine.
Molecular consequence: missense variant.
Genome position (GRCh38, 1-based): chr3:52,451,286, C>T on the plus strand (G>A on the coding strand, the complement: TNNC1 is on the minus strand). VCF-style: chr3-52451286-C-T. GRCh37 (hg19) VCF-style: chr3-52485302-C-T.
Other names: short protein forms G159S.
Identifiers: ClinVar variation 3384767 (VCV003384767.1).

ClinVar aggregate classification (germline): Uncertain significance (1 of 4 stars; one submission).

gnomAD v4.1: 1 of 1,613,944 alleles (0.000062%); highest among the groups gnomAD compares: Non-Finnish European, 0.000085%; no homozygotes.

Submission:

Women's Health and Genetics/Laboratory Corporation of America, LabCorp
Classification: Uncertain significance. Last evaluated: 2024-10-11. Review status: criteria provided, single submitter. Criteria: LabCorp Variant Classification Summary - May 2015. Collection method: clinical testing. Allele origin: germline.
Comment: Variant summary: TNNC1 c.475G>A (p.Gly159Ser) results in a non-conservative amino acid change located in the EF-hand domain (IPR002048) of the encoded protein sequence. Four of five in-silico tools predict a damaging effect of the variant on protein function. The variant allele was found at a frequency of 4e-06 in 251014 control chromosomes. The available data on variant occurrences in the general population are insufficient to allow any conclusion about variant significance. To our knowledge, no occurrence of c.475G>A in individuals affected with Cardiomyopathy and no experimental evidence demonstrating its impact on protein function have been reported. No submitters have cited clinical-significance assessments for this variant to ClinVar. Based on the evidence outlined above, the variant was classified as uncertain significance.